The following is an entry in ClinVar:

ClinVar aggregate classification (germline): Uncertain significance. Review status: criteria provided, multiple submitters, no conflicts (2 of 4 stars). 2 submissions from 2 submitters: Uncertain significance (2). Last evaluated 2025-11-02.

Conditions:
Ataxia-telangiectasia syndrome (AT). Also called: Ataxia telangiectasia (A-T); Cerebello-oculocutaneous telangiectasia; Immunodeficiency with ataxia telangiectasia; AT, COMPLEMENTATION GROUP C; ATAXIA-TELANGIECTASIA, COMPLEMENTATION GROUP A; ATAXIA-TELANGIECTASIA, FRESNO VARIANT. Identifiers: Orphanet 100, MedGen C0004135, MONDO:0008840, OMIM 208900.
Hereditary cancer-predisposing syndrome. Also called: Hereditary neoplastic syndrome; Tumor predisposition; Neoplastic Syndromes, Hereditary; Hereditary Cancer Syndrome. Identifiers: Orphanet 140162, MedGen C0027672, MeSH D009386, MONDO:0015356.

Submissions (2):

Labcorp Genetics (formerly Invitae), Labcorp
Classification: Uncertain significance for Ataxia-telangiectasia syndrome. Last evaluated: 2025-11-02. Review status: criteria provided, single submitter. Criteria: Invitae Variant Classification Sherloc (09022015). Collection method: clinical testing. Allele origin: germline.
Comment: This sequence change replaces leucine, which is neutral and non-polar, with tryptophan, which is neutral and slightly polar, at codon 1814 of the ATM protein (p.Leu1814Trp). This variant is not present in population databases (gnomAD no frequency). This variant has not been reported in the literature in individuals affected with ATM-related conditions. ClinVar contains an entry for this variant (Variation ID: 861137). Invitae Evidence Modeling of protein sequence and biophysical properties (such as structural, functional, and spatial information, amino acid conservation, physicochemical variation, residue mobility, and thermodynamic stability) indicates that this missense variant is expected to disrupt ATM protein function with a positive predictive value of 80%. In summary, the available evidence is currently insufficient to determine the role of this variant in disease. Therefore, it has been classified as a Variant of Uncertain Significance.

Ambry Genetics
Classification: Uncertain significance for Hereditary cancer-predisposing syndrome. Last evaluated: 2025-07-03. Review status: criteria provided, single submitter. Criteria: Ambry Variant Classification Scheme 2023. Collection method: clinical testing. Allele origin: germline.
Comment: The p.L1814W variant (also known as c.5441T>G), located in coding exon 35 of the ATM gene, results from a T to G substitution at nucleotide position 5441. The leucine at codon 1814 is replaced by tryptophan, an amino acid with similar properties. This amino acid position is conserved. In addition, this alteration is predicted to be deleterious by in silico analysis. Based on the available evidence, the clinical significance of this variant remains unclear.

NM_000051.4(ATM):c.5441T>G (p.Leu1814Trp)

Gene: ATM (ATM serine/threonine kinase; plus strand). Cytogenetic location: 11q22.3.
Variant type: single nucleotide variant.
Coding change: c.5441T>G on transcript NM_000051.4 (MANE Select); coding-DNA position 5441, T replaced by G.
Protein change: p.Leu1814Trp; replaces leucine 1814 with tryptophan.
Molecular consequence: missense variant.
Genome position (GRCh38, 1-based): chr11:108,302,974, T>G. VCF-style: chr11-108302974-T-G. GRCh37 (hg19) VCF-style: chr11-108173701-T-G.
Other names: c.5441T>G, p.Leu1814Trp (NM_001351834.2); short protein forms L1814W.
Identifiers: ClinVar variation 861137 (VCV000861137.10), dbSNP rs2083505270, ClinGen allele CA382544142.